The following is an entry in ClinVar:

ClinVar aggregate classification (germline): Uncertain significance. Review status: criteria provided, multiple submitters, no conflicts (2 of 4 stars). 8 submissions from 8 submitters: Uncertain significance (5). 3 of the submissions do not count toward it. Last evaluated 2025-07-14.

Conditions:
Usher syndrome type 1 (USH1). Also called: RETINITIS PIGMENTOSA AND CONGENITAL DEAFNESS. Identifiers: Orphanet 231169, Orphanet 886, MedGen C1568247, MONDO:0010168, OMIM 276900.
Usher syndrome type 1C. Also called: USHER SYNDROME, TYPE I, ACADIAN VARIETY. Identifiers: Orphanet 231169, Orphanet 886, MedGen C1848604, MONDO:0010171, OMIM 276904.
Autosomal recessive nonsyndromic hearing loss 18A. Also called: DEAFNESS, AUTOSOMAL RECESSIVE 18; Deafness, autosomal recessive 18A. Identifiers: Orphanet 90636, MedGen C1865870, MONDO:0011192, OMIM 602092.

Allele frequency attached by ClinVar (database versions not stated): ESP Exome Variant Server 0.00008; gnomAD 0.00008 and 0.00011; gnomAD exomes 0.00008 and 0.00010; TOPMed 0.00009; ExAC 0.00014; 1000 Genomes Project 30x 0.00047; 1000 Genomes Project 0.00060.
gnomAD v4.1: 131 of 1,614,058 alleles (0.0081%); highest among the groups gnomAD compares: Middle Eastern, 0.033%; no homozygotes.

Submissions (8):

GeneDx
Classification: Uncertain significance. Last evaluated: 2025-07-14. Review status: criteria provided, single submitter. Criteria: GeneDx Variant Classification Process June 2021. Collection method: clinical testing. Allele origin: germline. Affected: yes.
Comment: Identified in a patient with Usher syndrome in published literature (PMID: 21203349); In silico analysis supports that this missense variant has a deleterious effect on protein structure/function; This variant is associated with the following publications: (PMID: 30245029, 31964843, 25262649, 28404951, 21203349)

Labcorp Genetics (formerly Invitae), Labcorp
Classification: Uncertain significance. Last evaluated: 2025-01-06. Review status: criteria provided, single submitter. Criteria: Invitae Variant Classification Sherloc (09022015). Collection method: clinical testing. Allele origin: germline.
Comment: This sequence change replaces glycine, which is neutral and non-polar, with aspartic acid, which is acidic and polar, at codon 379 of the USH1C protein (p.Gly379Asp). This variant is present in population databases (rs202174251, gnomAD 0.02%). This missense change has been observed in individual(s) with Usher syndrome (PMID: 21203349). ClinVar contains an entry for this variant (Variation ID: 47975). An algorithm developed to predict the effect of missense changes on protein structure and function (PolyPhen-2) suggests that this variant is likely to be disruptive. In summary, the available evidence is currently insufficient to determine the role of this variant in disease. Therefore, it has been classified as a Variant of Uncertain Significance.

Blueprint Genetics
Classification: Uncertain significance. Last evaluated: 2024-11-13. Review status: criteria provided, single submitter. Criteria: ACMG Guidelines, 2015. Collection method: clinical testing. Allele origin: germline.

Department of Pathology and Laboratory Medicine, Sinai Health System
Classification: Uncertain significance for Usher syndrome type 1; Usher syndrome type 1C; Autosomal recessive nonsyndromic hearing loss 18A. Last evaluated: 2023-04-21. Review status: criteria provided, single submitter. Criteria: ACMG Guidelines, 2015. Collection method: research. Allele origin: germline.

Laboratory for Molecular Medicine, Mass General Brigham Personalized Medicine
Classification: Uncertain significance. Last evaluated: 2020-03-04. Review status: criteria provided, single submitter. Criteria: LMM Criteria. Collection method: clinical testing. Allele origin: germline. Observed: 4 variant alleles.
Comment: The p.Gly379Asp variant in USH1C has been reported in one family with Usher syndrome; however, a second USH1C variant was not identified on the other allele (Aparisi 2010). This variant is present in 0.02% (22/129188) of European chromosomes by gnomAD, and it has been reported in ClinVar (Variation ID 47975). Computational prediction tools and conservation analysis suggest that this variant may impact the protein, though this information is not predictive enough to determine pathogenicity. In summary, the clinical significance of this variant is uncertain. ACMG/AMP Criteria applied: PM2_Supporting, PP3.

Natera, Inc.
Classification: Uncertain significance for Usher syndrome type 1C. Last evaluated: 2020-09-16. Review status: no assertion criteria provided. Collection method: clinical testing. Allele origin: germline. Not counted in ClinVar's aggregate classification.

Clinical Genetics DNA and cytogenetics Diagnostics Lab, Erasmus MC, Erasmus Medical Center
Classification: Uncertain significance. Review status: no assertion criteria provided. Collection method: clinical testing. Allele origin: germline. Affected: yes. Study: VKGL Data-share Consensus. Not counted in ClinVar's aggregate classification.

Clinical Genetics, Academic Medical Center
Classification: Uncertain significance. Review status: no assertion criteria provided. Collection method: clinical testing. Allele origin: germline. Affected: yes. Study: VKGL Data-share Consensus. Not counted in ClinVar's aggregate classification.

Literature cited by the submitters: PubMed 21203349 (cited by Labcorp Genetics (formerly Invitae), Labcorp and Laboratory for Molecular Medicine, Mass General Brigham Personalized Medicine).

NM_153676.4(USH1C):c.1136G>A (p.Gly379Asp)

Gene: USH1C (USH1 protein network component harmonin; minus strand). Cytogenetic location: 11p15.1.
Variant type: single nucleotide variant.
Coding change: c.1136G>A on transcript NM_153676.4 (MANE Select); coding-DNA position 1136, G replaced by A.
Protein change: p.Gly379Asp; replaces glycine 379 with aspartic acid.
Molecular consequence: missense variant. On other transcripts: non-coding transcript variant (1).
Genome position (GRCh38, 1-based): chr11:17,520,944, C>T on the plus strand (G>A on the coding strand, the complement: USH1C is on the minus strand). VCF-style: chr11-17520944-C-T. GRCh37 (hg19) VCF-style: chr11-17542491-C-T.
Other names: c.1079G>A, p.Gly360Asp (NM_001297764.2); c.1136G>A, p.Gly379Asp (NM_005709.4); short protein forms G379D, G360D.
Identifiers: ClinVar variation 47975 (VCV000047975.17), dbSNP rs202174251, ClinGen allele CA142289.